The following is an entry in ClinVar:

ClinVar aggregate classification (germline): Uncertain significance (1 of 4 stars; one submission).

gnomAD v4.1: 1 of 1,613,158 alleles (0.000062%); highest among the groups gnomAD compares: African/African-American, 0.0013%; no homozygotes.

Submission:

Women's Health and Genetics/Laboratory Corporation of America, LabCorp
Classification: Uncertain significance. Last evaluated: 2025-10-03. Review status: criteria provided, single submitter. Criteria: LabCorp Variant Classification Summary - May 2015. Collection method: clinical testing. Allele origin: germline.
Comment: Variant summary: TM4SF20 c.671G>A (p.Arg224Gln) results in a conservative amino acid change in the encoded protein sequence. Algorithms developed to predict the effect of missense changes on protein structure and function all suggest that this variant is likely to be tolerated. The variant was absent in 251086 control chromosomes. The available data on variant occurrences in the general population are insufficient to allow any conclusion about variant significance. To our knowledge, no occurrence of c.671G>A in individuals affected with TM4SF20-related conditions and no experimental evidence demonstrating its impact on protein function have been reported. ClinVar contains an entry for this variant (Variation ID: 3768762). Based on the evidence outlined above, the variant was classified as uncertain significance.

NM_024795.4(TM4SF20):c.671G>A (p.Arg224Gln)

Gene: TM4SF20 (transmembrane 4 L six family member 20; minus strand). Cytogenetic location: 2q36.3.
Variant type: single nucleotide variant.
Coding change: c.671G>A on transcript NM_024795.4 (MANE Select); coding-DNA position 671, G replaced by A.
Protein change: p.Arg224Gln; replaces arginine 224 with glutamine.
Molecular consequence: missense variant.
Genome position (GRCh38, 1-based): chr2:227,363,743, C>T on the plus strand (G>A on the coding strand, the complement: TM4SF20 is on the minus strand). VCF-style: chr2-227363743-C-T. GRCh37 (hg19) VCF-style: chr2-228228459-C-T.
Other names: short protein forms R224Q.
Identifiers: ClinVar variation 3768762 (VCV003768762.2).